The following is an entry in ClinVar:

NM_003590.5(CUL3):c.*2431G>T

Gene: CUL3 (cullin 3; minus strand). Cytogenetic location: 2q36.2.
Variant type: single nucleotide variant.
Coding change: c.*2431G>T on transcript NM_003590.5 (MANE Select); 2431 bases downstream of the stop codon, G replaced by T.
Molecular consequence: 3 prime UTR variant.
Genome position (GRCh38, 1-based): chr2:224,471,814, C>A on the plus strand (G>T on the coding strand, the complement: CUL3 is on the minus strand). VCF-style: chr2-224471814-C-A. GRCh37 (hg19) VCF-style: chr2-225336531-C-A.
Other names: c.*2431G>T (NM_001257197.2, NM_001257198.2).
Identifiers: ClinVar variation 334597 (VCV000334597.7), dbSNP rs10498160, ClinGen allele CA10612581.

ClinVar aggregate classification (germline): Benign. Review status: criteria provided, multiple submitters, no conflicts (2 of 4 stars). 2 submissions from 2 submitters: Benign (2). Last evaluated 2018-01-12.

Conditions:
Pseudohypoaldosteronism type 2E (PHA2E). Also called: Pseudohypoaldosteronism Type IIE. Identifiers: Orphanet 300530, Orphanet 757, MedGen C3469606, MONDO:0013782, OMIM 614496.

Allele frequency attached by ClinVar (database versions not stated): gnomAD exomes 0.16349; gnomAD 0.18184 and 0.18507; TOPMed 0.19069; 1000 Genomes Project 30x 0.23220; 1000 Genomes Project 0.23303.
gnomAD v4.1: 40,463 of 228,248 alleles (18%); highest among the groups gnomAD compares: East Asian, 29%; 4,128 homozygotes.

Submissions (2):

Illumina Laboratory Services, Illumina
Classification: Benign for Pseudohypoaldosteronism type 2E. Last evaluated: 2018-01-12. Review status: criteria provided, single submitter. Criteria: ICSL Variant Classification Criteria 13 December 2019. Collection method: clinical testing. Allele origin: germline.
Comment: This variant was observed in the ICSL laboratory as part of a predisposition screen in an ostensibly healthy population. It had not been previously curated by ICSL or reported in the Human Gene Mutation Database (HGMD: prior to June 1st, 2018), and was therefore a candidate for classification through an automated scoring system. Utilizing variant allele frequency, disease prevalence and penetrance estimates, and inheritance mode, an automated score was calculated to assess if this variant is too frequent to cause the disease. Based on the score and internal cut-off values, a variant classified as benign is not then subjected to further curation. The score for this variant resulted in a classification of benign for this disease.

Breakthrough Genomics
Classification: Benign. Review status: criteria provided, single submitter. Criteria: ACMG Guidelines, 2015. Collection method: not provided. Allele origin: germline. Inheritance: Autosomal dominant inheritance. Affected: yes.